The following is an entry in ClinVar:

ClinVar aggregate classification (germline): Conflicting classifications of pathogenicity. Review status: criteria provided, conflicting classifications (1 of 4 stars). 3 submissions from 3 submitters: Uncertain significance (1); Likely benign (2). Last evaluated 2026-01-27.

Conditions:
Hyperprolinemia type 2 (HYRPRO2). Also called: 1-PYRROLINE-5-CARBOXYLATE DEHYDROGENASE DEFICIENCY; Delta-1-pyrroline-5-carboxylate dehydrogenase deficiency; Deficiency of pyrroline-5-carboxylate reductase. Identifiers: Orphanet 79101, MedGen C2931835, MONDO:0009401, OMIM 239510.

Allele frequency attached by ClinVar (database versions not stated): TOPMed 0.00014; ESP Exome Variant Server 0.00015; ExAC 0.00021.
gnomAD v4.1: 326 of 1,613,886 alleles (0.02%); highest among the groups gnomAD compares: Middle Eastern, 0.13%; no homozygotes.

Submissions (3):

Labcorp Genetics (formerly Invitae), Labcorp
Classification: Likely benign for Hyperprolinemia type 2. Last evaluated: 2026-01-27. Review status: criteria provided, single submitter. Criteria: Invitae Variant Classification Sherloc (09022015). Collection method: clinical testing. Allele origin: germline.

Women's Health and Genetics/Laboratory Corporation of America, LabCorp
Classification: Likely benign. Last evaluated: 2024-01-23. Review status: criteria provided, single submitter. Criteria: LabCorp Variant Classification Summary - May 2015. Collection method: clinical testing. Allele origin: germline.
Comment: Variant summary: ALDH4A1 c.1460+15C>T alters a non-conserved nucleotide located at a position not widely known to affect splicing. Consensus agreement among computation tools predict no significant impact on normal splicing. However, these predictions have yet to be confirmed by functional studies. The variant allele was found at a frequency of 0.00026 in 251432 control chromosomes. To our knowledge, no occurrence of c.1460+15C>T in individuals affected with Deficiency of pyrroline-5-carboxylate reductase and no experimental evidence demonstrating its impact on protein function have been reported. ClinVar contains an entry for this variant (Variation ID: 876152). Based on the evidence outlined above, the variant was classified as likely benign.

Illumina Laboratory Services, Illumina
Classification: Uncertain significance for Hyperprolinemia type 2. Last evaluated: 2018-01-13. Review status: criteria provided, single submitter. Criteria: ICSL Variant Classification Criteria 13 December 2019. Collection method: clinical testing. Allele origin: germline.

NM_003748.4(ALDH4A1):c.1460+15C>T

Genes: ALDH4A1 (aldehyde dehydrogenase 4 family member A1; minus strand), LOC120893116 (Sharpr-MPRA regulatory region 7483; plus strand). Cytogenetic location: 1p36.13.
Variant type: single nucleotide variant.
Coding change: c.1460+15C>T on transcript NM_003748.4 (MANE Select); 15 bases into the intron after coding-DNA position 1460, C replaced by T.
Molecular consequence: intron variant.
Genome position (GRCh38, 1-based): chr1:18,875,367, G>A on the plus strand (C>T on the coding strand, the complement: ALDH4A1 is on the minus strand). VCF-style: chr1-18875367-G-A. GRCh37 (hg19) VCF-style: chr1-19201861-G-A.
Other names: c.1307+15C>T (NM_001319218.2); c.1460+15C>T (NM_170726.3); c.1280+15C>T (NM_001161504.2).
Identifiers: ClinVar variation 876152 (VCV000876152.12), dbSNP rs371777923, ClinGen allele CA646900.
Genomic context (GRCh38, chr1:18,875,367, plus strand): 5'-CGTCCAGGAGGTGGGGATGGGGACACGGACAGGACACCCGGAGCACAGCACCAGGGCTGC[G>A]GCCTGGCCACTCACTTATCCTGGGAGAACACTGCCCCCGTGAGGCCATAGCTGGTGGTGC-3'